The following is an entry in ClinVar:

ClinVar aggregate classification (germline): Conflicting classifications of pathogenicity. Review status: criteria provided, conflicting classifications (1 of 4 stars). 2 submissions from 2 submitters: Uncertain significance (1); Likely benign (1). Last evaluated 2023-11-01.

Conditions:
Hereditary sensory and autonomic neuropathy type 7. Also called: HSAN VII; Neuropathy, hereditary sensory and autonomic, type VII. Identifiers: Orphanet 391397, MedGen C3809882, MONDO:0014244, OMIM 615548.
Familial episodic pain syndrome with predominantly lower limb involvement. Also called: Episodic pain syndrome, familial, 3. Identifiers: Orphanet 391384, Orphanet 391392, MedGen C3809899, MONDO:0014247, OMIM 615552.
Inborn genetic diseases. Identifiers: MedGen C0950123, MeSH D030342.

Allele frequency attached by ClinVar (database versions not stated): gnomAD below 0.00001 and 0.00003; TOPMed below 0.00001; gnomAD exomes 0.00004 and 0.00005; ExAC 0.00007; 1000 Genomes Project 30x 0.00047; 1000 Genomes Project 0.00060.
gnomAD v4.1: 60 of 1,614,232 alleles (0.0037%); highest among the groups gnomAD compares: South Asian, 0.055%; no homozygotes.

Submissions (2):

Labcorp Genetics (formerly Invitae), Labcorp
Classification: Uncertain significance for Familial episodic pain syndrome with predominantly lower limb involvement; Hereditary sensory and autonomic neuropathy type 7. Last evaluated: 2023-11-01. Review status: criteria provided, single submitter. Criteria: Invitae Variant Classification Sherloc (09022015). Collection method: clinical testing. Allele origin: germline.
Comment: This sequence change replaces isoleucine, which is neutral and non-polar, with threonine, which is neutral and polar, at codon 1547 of the SCN11A protein (p.Ile1547Thr). This variant is present in population databases (rs554959327, gnomAD 0.04%). This variant has not been reported in the literature in individuals affected with SCN11A-related conditions. ClinVar contains an entry for this variant (Variation ID: 1039827). Advanced modeling of protein sequence and biophysical properties (such as structural, functional, and spatial information, amino acid conservation, physicochemical variation, residue mobility, and thermodynamic stability) has been performed at Invitae for this missense variant, however the output from this modeling did not meet the statistical confidence thresholds required to predict the impact of this variant on SCN11A protein function. In summary, the available evidence is currently insufficient to determine the role of this variant in disease. Therefore, it has been classified as a Variant of Uncertain Significance.

Ambry Genetics
Classification: Likely benign for Inborn genetic diseases. Last evaluated: 2021-03-01. Review status: criteria provided, single submitter. Criteria: Ambry Variant Classification Scheme 2023. Collection method: clinical testing. Allele origin: germline.

NM_001349253.2(SCN11A):c.4640T>C (p.Ile1547Thr)

Gene: SCN11A (sodium voltage-gated channel alpha subunit 11; minus strand). Cytogenetic location: 3p22.2.
Variant type: single nucleotide variant.
Coding change: c.4640T>C on transcript NM_001349253.2 (MANE Select); coding-DNA position 4640, T replaced by C.
Protein change: p.Ile1547Thr; replaces isoleucine 1547 with threonine.
Molecular consequence: missense variant.
Genome position (GRCh38, 1-based): chr3:38,847,430, A>G on the plus strand (T>C on the coding strand, the complement: SCN11A is on the minus strand). VCF-style: chr3-38847430-A-G. GRCh37 (hg19) VCF-style: chr3-38888921-A-G.
Other names: c.4640T>C, p.Ile1547Thr (NM_014139.3); short protein forms I1547T.
Identifiers: ClinVar variation 1039827 (VCV001039827.7), dbSNP rs554959327, ClinGen allele CA2321478.